The following is an entry in ClinVar:

ClinVar aggregate classification (germline): Uncertain significance (1 of 4 stars; one submission).

Conditions:
Noonan syndrome 9 (NS9). Identifiers: Orphanet 648, MedGen C4225282, MONDO:0014691, OMIM 616559.

gnomAD v4.1: 2 of 1,465,658 alleles (0.00014%); highest among the groups gnomAD compares: Non-Finnish European, 0.00018%; no homozygotes.

Submission:

Labcorp Genetics (formerly Invitae), Labcorp
Classification: Uncertain significance for Noonan syndrome 9. Last evaluated: 2025-03-26. Review status: criteria provided, single submitter. Criteria: Invitae Variant Classification Sherloc (09022015). Collection method: clinical testing. Allele origin: germline.
Comment: This sequence change replaces alanine, which is neutral and non-polar, with serine, which is neutral and polar, at codon 4 of the SOS2 protein (p.Ala4Ser). This variant is not present in population databases (gnomAD no frequency). This variant has not been reported in the literature in individuals affected with SOS2-related conditions. Invitae Evidence Modeling of protein sequence and biophysical properties (such as structural, functional, and spatial information, amino acid conservation, physicochemical variation, residue mobility, and thermodynamic stability) indicates that this missense variant is not expected to disrupt SOS2 protein function with a negative predictive value of 95%. In summary, the available evidence is currently insufficient to determine the role of this variant in disease. Therefore, it has been classified as a Variant of Uncertain Significance.

NM_006939.4(SOS2):c.10G>T (p.Ala4Ser)

Genes: SOS2 (SOS Ras/Rho guanine nucleotide exchange factor 2; minus strand), LOC130055588 (ATAC-STARR-seq lymphoblastoid silent region 5718; plus strand). Cytogenetic location: 14q21.3.
Variant type: single nucleotide variant.
Coding change: c.10G>T on transcript NM_006939.4 (MANE Select); coding-DNA position 10, G replaced by T.
Protein change: p.Ala4Ser; replaces alanine 4 with serine.
Molecular consequence: missense variant.
Genome position (GRCh38, 1-based): chr14:50,231,274, C>A on the plus strand (G>T on the coding strand, the complement: SOS2 is on the minus strand). VCF-style: chr14-50231274-C-A. GRCh37 (hg19) VCF-style: chr14-50697992-C-A.
Other names: c.10G>T, p.Ala4Ser (NM_001411020.1); short protein forms A4S.
Identifiers: ClinVar variation 4804008 (VCV004804008.1).